The following is an entry in ClinVar:

NM_012431.3(SEMA3E):c.2041A>G (p.Met681Val)

Gene: SEMA3E (semaphorin 3E; minus strand). Cytogenetic location: 7q21.11.
Variant type: single nucleotide variant.
Coding change: c.2041A>G on transcript NM_012431.3 (MANE Select); coding-DNA position 2041, A replaced by G.
Protein change: p.Met681Val; replaces methionine 681 with valine.
Molecular consequence: missense variant.
Genome position (GRCh38, 1-based): chr7:83,367,873, T>C on the plus strand (A>G on the coding strand, the complement: SEMA3E is on the minus strand). VCF-style: chr7-83367873-T-C. GRCh37 (hg19) VCF-style: chr7-82997189-T-C.
Other names: c.1861A>G, p.Met621Val (NM_001178129.2); short protein forms M621V, M681V.
Identifiers: ClinVar variation 3625746 (VCV003625746.2).

ClinVar aggregate classification (germline): Uncertain significance (1 of 4 stars; one submission).

Conditions:
CHARGE syndrome (CHARGE). Also called: Hittner Hirsch Kreh syndrome; CHARGE ASSOCIATION--COLOBOMA, HEART ANOMALY, CHOANAL ATRESIA, RETARDATION, GENITAL AND EAR ANOMALIES; Coloboma, heart anomaly, choanal atresia, retardation, genital and ear anomalies; CHARGE association; Hall-Hittner syndrome. Identifiers: Orphanet 138, MedGen C0265354, MONDO:0008965.

gnomAD v4.1: 4 of 1,611,610 alleles (0.00025%); highest among the groups gnomAD compares: Non-Finnish European, 0.00034%; no homozygotes.

Submission:

Labcorp Genetics (formerly Invitae), Labcorp
Classification: Uncertain significance for CHARGE syndrome. Last evaluated: 2024-04-03. Review status: criteria provided, single submitter. Criteria: Invitae Variant Classification Sherloc (09022015). Collection method: clinical testing. Allele origin: germline.
Comment: This sequence change replaces methionine, which is neutral and non-polar, with valine, which is neutral and non-polar, at codon 681 of the SEMA3E protein (p.Met681Val). This variant is present in population databases (rs774452522, gnomAD 0.002%). This variant has not been reported in the literature in individuals affected with SEMA3E-related conditions. An algorithm developed to predict the effect of missense changes on protein structure and function (PolyPhen-2) suggests that this variant is likely to be tolerated. In summary, the available evidence is currently insufficient to determine the role of this variant in disease. Therefore, it has been classified as a Variant of Uncertain Significance.